The following is an entry in ClinVar:

ClinVar aggregate classification (germline): Uncertain significance (1 of 4 stars; one submission).

Conditions:
Wilson disease (WND). Also called: Wilson's disease. Identifiers: Orphanet 905, MedGen C0019202, MONDO:0010200, OMIM 277900. Disease mechanism: loss of function.

Submission:

Labcorp Genetics (formerly Invitae), Labcorp
Classification: Uncertain significance for Wilson disease. Last evaluated: 2022-02-24. Review status: criteria provided, single submitter. Criteria: Invitae Variant Classification Sherloc (09022015). Collection method: clinical testing. Allele origin: germline.
Comment: This variant has not been reported in the literature in individuals affected with ATP7B-related conditions. This variant is not present in population databases (gnomAD no frequency). This sequence change replaces arginine, which is basic and polar, with serine, which is neutral and polar, at codon 725 of the ATP7B protein (p.Arg725Ser). ClinVar contains an entry for this variant (Variation ID: 938285). In summary, the available evidence is currently insufficient to determine the role of this variant in disease. Therefore, it has been classified as a Variant of Uncertain Significance. Advanced modeling of protein sequence and biophysical properties (such as structural, functional, and spatial information, amino acid conservation, physicochemical variation, residue mobility, and thermodynamic stability) performed at Invitae indicates that this missense variant is not expected to disrupt ATP7B protein function.

NM_000053.4(ATP7B):c.2175G>T (p.Arg725Ser)

Gene: ATP7B (ATPase copper transporting beta; minus strand). Cytogenetic location: 13q14.3.
Variant type: single nucleotide variant.
Coding change: c.2175G>T on transcript NM_000053.4 (MANE Select); coding-DNA position 2175, G replaced by T.
Protein change: p.Arg725Ser; replaces arginine 725 with serine.
Molecular consequence: missense variant. On other transcripts: intron variant (2).
Genome position (GRCh38, 1-based): chr13:51,958,491, C>A on the plus strand (G>T on the coding strand, the complement: ATP7B is on the minus strand). VCF-style: chr13-51958491-C-A. GRCh37 (hg19) VCF-style: chr13-52532627-C-A.
Other names: c.1842G>T, p.Arg614Ser (NM_001243182.2); c.1923G>T, p.Arg641Ser (NM_001330579.2); c.1870-884G>T (NM_001005918.3); c.2122-884G>T (NM_001330578.2); short protein forms R614S, R725S, R641S.
Identifiers: ClinVar variation 938285 (VCV000938285.9), dbSNP rs61733684, ClinGen allele CA388023003.